The following is an entry in ClinVar:

NM_000285.4(PEPD):c.740+5G>A

Gene: PEPD (peptidase D; minus strand). Cytogenetic location: 19q13.11.
Variant type: single nucleotide variant.
Coding change: c.740+5G>A on transcript NM_000285.4 (MANE Select); 5 bases into the intron after coding-DNA position 740, G replaced by A.
Molecular consequence: intron variant.
Genome position (GRCh38, 1-based): chr19:33,413,570, C>T on the plus strand (G>A on the coding strand, the complement: PEPD is on the minus strand). VCF-style: chr19-33413570-C-T. GRCh37 (hg19) VCF-style: chr19-33904476-C-T.
Other names: c.548+5G>A (NM_001166057.2); c.617+5G>A (NM_001166056.2); c.740+5G>A (NM_000285.3).
Identifiers: ClinVar variation 2047168 (VCV002047168.6), dbSNP rs568082157, ClinGen allele CA9364170.

ClinVar aggregate classification (germline): Likely benign. Review status: criteria provided, single submitter (1 of 4 stars). 2 submissions from 2 submitters: Likely benign (1). 1 of the submissions does not count toward it. Last evaluated 2026-01-26.

Conditions:
PEPD-related disorder. Also called: PEPD-related condition.

Allele frequency attached by ClinVar (database versions not stated): TOPMed 0.00003; gnomAD 0.00005; gnomAD exomes 0.00010; 1000 Genomes Project 30x 0.00016; ExAC 0.00021; 1000 Genomes Project 0.00040.
gnomAD v4.1: 149 of 1,551,622 alleles (0.0096%); highest among the groups gnomAD compares: East Asian, 0.24%; 2 homozygotes.

Submissions (2):

Labcorp Genetics (formerly Invitae), Labcorp
Classification: Likely benign. Last evaluated: 2026-01-26. Review status: criteria provided, single submitter. Criteria: Invitae Variant Classification Sherloc (09022015). Collection method: clinical testing. Allele origin: germline.

PreventionGenetics, part of Exact Sciences
Classification: Likely benign for PEPD-related condition. Last evaluated: 2019-09-20. Review status: no assertion criteria provided. Collection method: clinical testing. Allele origin: germline. Not counted in ClinVar's aggregate classification.
Comment: This variant is classified as likely benign based on ACMG/AMP sequence variant interpretation guidelines (Richards et al. 2015 PMID: 25741868, with internal and published modifications).